The following is an entry in ClinVar:

ClinVar aggregate classification (germline): Conflicting classifications of pathogenicity. Review status: criteria provided, conflicting classifications (1 of 4 stars). 2 submissions from 2 submitters: Uncertain significance (1); Likely benign (1). Last evaluated 2025-04-17.

Conditions:
Congenital contractural arachnodactyly (CCA). Also called: Beals-Hecht syndrome; BEALS SYNDROME; Arthrogryposis, distal, type 9. Identifiers: Orphanet 115, MedGen C0220668, MONDO:0007363, OMIM 121050.

Allele frequency attached by ClinVar (database versions not stated): gnomAD 0.00001; gnomAD exomes 0.00001 and 0.00003; ExAC 0.00003; TOPMed 0.00004.
gnomAD v4.1: 12 of 1,612,434 alleles (0.00074%); highest among the groups gnomAD compares: Admixed American, 0.005%; no homozygotes.

Submissions (2):

Labcorp Genetics (formerly Invitae), Labcorp
Classification: Likely benign for Congenital contractural arachnodactyly. Last evaluated: 2025-04-17. Review status: criteria provided, single submitter. Criteria: Invitae Variant Classification Sherloc (09022015). Collection method: clinical testing. Allele origin: germline.

GeneDx
Classification: Uncertain significance. Last evaluated: 2020-12-11. Review status: criteria provided, single submitter. Criteria: GeneDx Variant Classification Process June 2021. Collection method: clinical testing. Allele origin: germline. Affected: yes.
Comment: Has not been previously published as pathogenic or benign to our knowledge; In silico analysis supports a deleterious effect on splicing; Reported in ClinVar as a variant of uncertain significance (ClinVar Variant ID# 213368; Landrum et al., 2016)

NM_001999.4(FBN2):c.8193-7C>G

Gene: FBN2 (fibrillin 2; minus strand). Cytogenetic location: 5q23.3.
Variant type: single nucleotide variant.
Coding change: c.8193-7C>G on transcript NM_001999.4 (MANE Select); 7 bases into the intron before coding-DNA position 8193, C replaced by G.
Molecular consequence: intron variant.
Genome position (GRCh38, 1-based): chr5:128,261,914, G>C on the plus strand (C>G on the coding strand, the complement: FBN2 is on the minus strand). VCF-style: chr5-128261914-G-C. GRCh37 (hg19) VCF-style: chr5-127597606-G-C.
Identifiers: ClinVar variation 213368 (VCV000213368.11), dbSNP rs754837805, ClinGen allele CA325257.